The following is an entry in ClinVar:

ClinVar aggregate classification (germline): Uncertain significance (1 of 4 stars; one submission).

Submission:

Labcorp Genetics (formerly Invitae), Labcorp
Classification: Uncertain significance. Last evaluated: 2024-09-23. Review status: criteria provided, single submitter. Criteria: Invitae Variant Classification Sherloc (09022015). Collection method: clinical testing. Allele origin: germline.
Comment: This sequence change replaces arginine, which is basic and polar, with glutamine, which is neutral and polar, at codon 342 of the TIMM50 protein (p.Arg342Gln). This variant is present in population databases (no rsID available, gnomAD 0.0009%). This variant has not been reported in the literature in individuals affected with TIMM50-related conditions. ClinVar contains an entry for this variant (Variation ID: 2014667). Invitae Evidence Modeling of protein sequence and biophysical properties (such as structural, functional, and spatial information, amino acid conservation, physicochemical variation, residue mobility, and thermodynamic stability) indicates that this missense variant is expected to disrupt TIMM50 protein function with a positive predictive value of 80%. In summary, the available evidence is currently insufficient to determine the role of this variant in disease. Therefore, it has been classified as a Variant of Uncertain Significance.

NM_001001563.5(TIMM50):c.716G>A (p.Arg239Gln)

Gene: TIMM50 (translocase of inner mitochondrial membrane 50; plus strand). Cytogenetic location: 19q13.2.
Variant type: single nucleotide variant.
Coding change: c.716G>A on transcript NM_001001563.5 (MANE Select); coding-DNA position 716, G replaced by A.
Protein change: p.Arg239Gln; replaces arginine 239 with glutamine.
Molecular consequence: missense variant.
Genome position (GRCh38, 1-based): chr19:39,488,080, G>A. VCF-style: chr19-39488080-G-A. GRCh37 (hg19) VCF-style: chr19-39978720-G-A.
Other names: c.377G>A, p.Arg126Gln (NM_001329559.2); short protein forms R126Q, R239Q.
Identifiers: ClinVar variation 2014667 (VCV002014667.4), dbSNP rs1313763887, ClinGen allele CA405789134.
Genomic context (GRCh38, chr19:39,488,080, plus strand): 5'-GTTGGGCACAGATGTTGACCTGATCTGTCACTCACTTCCAGGATATTTCATGTCTGAATC[G>A]GGACCCAGCTCGAGTAGTAGTTGTGGACTGCAAGAAGGAAGCCTTCCGCCTGCAGCCCTA-3'
Protein context (NP_001001563.2, residues 229-249): HHVKDISCLN[Arg239Gln]DPARVVVVDC